The following is an entry in ClinVar:

Conditions:
Breast-ovarian cancer, familial, susceptibility to, 1 (BROVCA1). Also called: BRCA1 Hereditary Breast and Ovarian Cancer; OVARIAN CANCER, SUSCEPTIBILITY TO. Identifiers: Orphanet 145, MedGen C2676676, MONDO:0011450, OMIM 604370. Disease mechanism: loss of function.

Submission:

Brotman Baty Institute, University of Washington
No classification provided (evidence only). Condition: Breast-ovarian cancer, familial 1. Review status: no classification provided. Collection method: in vitro. Allele origin: not applicable. Functional consequence: functionally_normal.
ClinVar note: "not provided" was previously submitted as the classification for the variant. However, the classification appeared to be based only on an observation of functional data so it was converted to no classification on 2025-07-30.

NM_007294.4(BRCA1):c.5172A>G (p.Lys1724=)

Gene: BRCA1 (BRCA1 DNA repair associated; minus strand). Cytogenetic location: 17q21.31.
Variant type: single nucleotide variant.
Coding change: c.5172A>G on transcript NM_007294.4 (MANE Select); coding-DNA position 5172, A replaced by G.
Protein change: p.Lys1724=; no amino-acid change (lysine 1724 retained).
Molecular consequence: synonymous variant.
Genome position (GRCh38, 1-based): chr17:43,063,354, T>C on the plus strand (A>G on the coding strand, the complement: BRCA1 is on the minus strand). VCF-style: chr17-43063354-T-C. GRCh37 (hg19) VCF-style: chr17-41215371-T-C.
Other names: c.4959A>G, p.Lys1653= (NM_001407571.1, NM_001407894.1, NM_001407895.1 and 12 more transcripts); c.5238A>G, p.Lys1746= (NM_001407581.1, NM_001407582.1); c.5235A>G, p.Lys1745= (NM_001407583.1, NM_001407585.1, NM_001407587.1 and 1 more transcripts); c.5232A>G, p.Lys1744= (NM_001407590.1, NM_001407591.1); c.5172A>G, p.Lys1724= (NM_001407593.1, NM_001407594.1, NM_001407596.1 and 7 more transcripts); c.5169A>G, p.Lys1723= (NM_001407610.1, NM_001407611.1, NM_001407612.1 and 17 more transcripts); c.5166A>G, p.Lys1722= (NM_001407627.1, NM_001407628.1, NM_001407629.1 and 14 more transcripts); c.5163A>G, p.Lys1721= (NM_001407644.1, NM_001407645.1); and 72 more.
Identifiers: ClinVar variation 867764 (VCV000867764.3), dbSNP rs879254150, ClinGen allele CA500146049.